The following is an entry in ClinVar:

NM_006648.4(WNK2):c.5890G>A (p.Val1964Met)

Gene: WNK2 (WNK lysine deficient protein kinase 2; plus strand). Cytogenetic location: 9q22.31.
Variant type: single nucleotide variant.
Coding change: c.5890G>A on transcript NM_006648.4 (MANE Select); coding-DNA position 5890, G replaced by A.
Protein change: p.Val1964Met; replaces valine 1964 with methionine.
Molecular consequence: missense variant.
Genome position (GRCh38, 1-based): chr9:93,298,034, G>A. VCF-style: chr9-93298034-G-A. GRCh37 (hg19) VCF-style: chr9-96060316-G-A.
Other names: c.6001G>A, p.Val2001Met (NM_001282394.3); short protein forms V2001M, V1964M.
Identifiers: ClinVar variation 4842102 (VCV004842102.1).
Genomic context (GRCh38, chr9:93,298,034, plus strand): 5'-GGCCGCCGGAGAAAAACCAGCAAGAGCAAGCTGAAGGCAGGCAAGCTGCTAAATCCCCTG[G>A]TGCGGCAGCTCAAGGTCGTGGCCTCCAGCACAGGTCGGCCTCCGGGTGCAGGGCTGGGAT-3'
Protein context (NP_006639.3, residues 1954-1974): LKAGKLLNPL[Val1964Met]RQLKVVASST

ClinVar aggregate classification (germline): Uncertain significance (1 of 4 stars; one submission).

Submission:

Ambry Genetics
Classification: Uncertain significance. Last evaluated: 2025-12-23. Review status: criteria provided, single submitter. Criteria: Ambry Variant Classification Scheme 2023. Collection method: clinical testing. Allele origin: germline.
Comment: The p.V1964M variant (also known as c.5890G>A), located in coding exon 23 of the WNK2 gene, results from a G to A substitution at nucleotide position 5890. The valine at codon 1964 is replaced by methionine, an amino acid with highly similar properties. This amino acid position is conserved. In addition, the in silico prediction for this alteration is inconclusive. Based on the available evidence, the clinical significance of this variant remains unclear.